The following is an entry in ClinVar:

ClinVar aggregate classification (germline): Uncertain significance (1 of 4 stars; one submission).

Conditions:
Neuropathy, hereditary sensory and autonomic, type 2A (HSAN2A). Also called: HSAN IIA; WNK1-Related HSAN2 (HSAN2A); ACROOSTEOLYSIS, GIACCAI TYPE; ACROOSTEOLYSIS, NEUROGENIC; MORVAN DISEASE; NEUROPATHY, CONGENITAL SENSORY. Identifiers: Orphanet 970, MedGen C2752089, MONDO:0024309, OMIM 201300.
Pseudohypoaldosteronism type 2C (PHA2C). Also called: Pseudohypoaldosteronism Type IIC. Identifiers: Orphanet 757, Orphanet 88940, MedGen C1840391, MONDO:0013778, OMIM 614492.

Allele frequency attached by ClinVar (database versions not stated): gnomAD 0.00001; gnomAD exomes 0.00001; ExAC 0.00003; TOPMed 0.00003.
gnomAD v4.1: 20 of 1,613,984 alleles (0.0012%); highest among the groups gnomAD compares: East Asian, 0.04%; no homozygotes.

Submission:

Labcorp Genetics (formerly Invitae), Labcorp
Classification: Uncertain significance for Neuropathy, hereditary sensory and autonomic, type 2A; Pseudohypoaldosteronism type 2C. Last evaluated: 2025-05-18. Review status: criteria provided, single submitter. Criteria: Invitae Variant Classification Sherloc (09022015). Collection method: clinical testing. Allele origin: germline.
Comment: This sequence change replaces valine, which is neutral and non-polar, with leucine, which is neutral and non-polar, at codon 839 of the WNK1 protein (p.Val839Leu). This variant is present in population databases (rs760252086, gnomAD 0.05%). This variant has not been reported in the literature in individuals affected with WNK1-related conditions. ClinVar contains an entry for this variant (Variation ID: 2928019). Invitae Evidence Modeling of protein sequence and biophysical properties (such as structural, functional, and spatial information, amino acid conservation, physicochemical variation, residue mobility, and thermodynamic stability) indicates that this missense variant is not expected to disrupt WNK1 protein function with a negative predictive value of 95%. In summary, the available evidence is currently insufficient to determine the role of this variant in disease. Therefore, it has been classified as a Variant of Uncertain Significance.

NM_213655.5(WNK1):c.2515G>T (p.Val839Leu)

Gene: WNK1 (WNK lysine deficient protein kinase 1; plus strand). Cytogenetic location: 12p13.33.
Variant type: single nucleotide variant.
Coding change: c.2515G>T on transcript NM_213655.5 (MANE Plus Clinical); coding-DNA position 2515, G replaced by T.
Protein change: p.Val839Leu; replaces valine 839 with leucine.
Molecular consequence: missense variant. On other transcripts: intron variant (2).
Genome position (GRCh38, 1-based): chr12:867,986, G>T. VCF-style: chr12-867986-G-T. GRCh37 (hg19) VCF-style: chr12-977152-G-T.
Other names: c.2260G>T, p.Val754Leu (NM_001184985.2); c.2140-3279G>T (NM_018979.4, NM_014823.3); short protein forms V754L, V839L.
Identifiers: ClinVar variation 2928019 (VCV002928019.3), dbSNP rs760252086, ClinGen allele CA6382191.